The following is an entry in ClinVar:

NM_000069.3(CACNA1S):c.4487A>C (p.Lys1496Thr)

Gene: CACNA1S (calcium voltage-gated channel subunit alpha1 S; minus strand). Cytogenetic location: 1q32.1.
Variant type: single nucleotide variant.
Coding change: c.4487A>C on transcript NM_000069.3 (MANE Select); coding-DNA position 4487, A replaced by C.
Protein change: p.Lys1496Thr; replaces lysine 1496 with threonine.
Molecular consequence: missense variant.
Genome position (GRCh38, 1-based): chr1:201,047,581, T>G on the plus strand (A>C on the coding strand, the complement: CACNA1S is on the minus strand). VCF-style: chr1-201047581-T-G. GRCh37 (hg19) VCF-style: chr1-201016709-T-G.
Other names: short protein forms K1496T.
Identifiers: ClinVar variation 4757541 (VCV004757541.1).

ClinVar aggregate classification (germline): Uncertain significance (1 of 4 stars; one submission).

Conditions:
Malignant hyperthermia, susceptibility to, 5 (MHS5). Also called: CACNA1S-Related Malignant Hyperthermia Susceptibility. Identifiers: Orphanet 423, MedGen C1866077, MONDO:0011163, OMIM 601887.

gnomAD v4.1: 8 of 1,614,204 alleles (0.0005%); highest among the groups gnomAD compares: Non-Finnish European, 0.00068%; no homozygotes.

Submission:

Color Diagnostics, LLC DBA Color Health
Classification: Uncertain significance for Malignant hyperthermia, susceptibility to, 5. Last evaluated: 2025-06-30. Review status: criteria provided, single submitter. Criteria: ACMG Guidelines, 2015. Collection method: clinical testing. Allele origin: germline.
Comment: This missense variant replaces lysine with threonine at codon 1496 of the CACNA1S protein. Computational prediction suggests that this variant may not impact protein structure and function. To our knowledge, functional studies have not been reported for this variant. This variant has not been reported in individuals affected with CACNA1S-related disorders in the literature. This variant has been identified in 5/251432 chromosomes in the general population by the Genome Aggregation Database (gnomAD). The available evidence is insufficient to determine the role of this variant in disease conclusively. Therefore, this variant is classified as a Variant of Uncertain Significance.